The following is an entry in ClinVar:

ClinVar aggregate classification (germline): Uncertain significance. Review status: criteria provided, single submitter (1 of 4 stars). 2 submissions from 2 submitters: Uncertain significance (1). 1 of the submissions does not count toward it. Last evaluated 2023-02-16.

Conditions:
DCLRE1B-related disorder. Also called: DCLRE1B-related condition.

Allele frequency attached by ClinVar (database versions not stated): ExAC 0.00002; gnomAD 0.00002; TOPMed 0.00002; ESP Exome Variant Server 0.00008; gnomAD exomes 0.00009.

Submissions (2):

Ambry Genetics
Classification: Uncertain significance. Last evaluated: 2023-02-16. Review status: criteria provided, single submitter. Criteria: Ambry Variant Classification Scheme 2023. Collection method: clinical testing. Allele origin: germline.

PreventionGenetics, part of Exact Sciences
Classification: Uncertain significance for DCLRE1B-related condition. Last evaluated: 2024-08-19. Review status: no assertion criteria provided. Collection method: clinical testing. Allele origin: germline. Not counted in ClinVar's aggregate classification.
Comment: The DCLRE1B c.395C>T variant is predicted to result in the amino acid substitution p.Ala132Val. To our knowledge, this variant has not been reported in the literature. This variant is reported in 0.0065% of alleles in individuals of South Asian descent in gnomAD. At this time, the clinical significance of this variant is uncertain due to the absence of conclusive functional and genetic evidence.

NM_022836.4(DCLRE1B):c.395C>T (p.Ala132Val)

Gene: DCLRE1B (DNA cross-link repair 1B; plus strand). Cytogenetic location: 1p13.2.
Variant type: single nucleotide variant.
Coding change: c.395C>T on transcript NM_022836.4 (MANE Select); coding-DNA position 395, C replaced by T.
Protein change: p.Ala132Val; replaces alanine 132 with valine.
Molecular consequence: missense variant.
Genome position (GRCh38, 1-based): chr1:113,908,048, C>T. VCF-style: chr1-113908048-C-T. GRCh37 (hg19) VCF-style: chr1-114450670-C-T.
Other names: c.17C>T, p.Ala6Val (NM_001319946.2, NM_001319947.2, NM_001363691.2); c.395C>T, p.Ala132Val (NM_001363690.2); short protein forms A6V, A132V.
Identifiers: ClinVar variation 2486324 (VCV002486324.3), dbSNP rs375188357, ClinGen allele CA1016393.